The following is an entry in ClinVar:

ClinVar aggregate classification (germline): Uncertain significance (1 of 4 stars; one submission).

gnomAD v4.1: 1 of 1,613,872 alleles (0.000062%); highest among the groups gnomAD compares: Non-Finnish European, 0.000085%; no homozygotes.

Submission:

Labcorp Genetics (formerly Invitae), Labcorp
Classification: Uncertain significance. Last evaluated: 2025-07-03. Review status: criteria provided, single submitter. Criteria: Invitae Variant Classification Sherloc (09022015). Collection method: clinical testing. Allele origin: germline.
Comment: This sequence change falls in intron 24 of the ABCC6 gene. It does not directly change the encoded amino acid sequence of the ABCC6 protein. It affects a nucleotide within the consensus splice site. This variant is not present in population databases (gnomAD no frequency). This variant has been observed in individual(s) with pseudoxanthoma elasticum (PMID: 18157818). Variants that disrupt the consensus splice site are a relatively common cause of aberrant splicing (PMID: 17576681, 9536098). Algorithms developed to predict the effect of sequence changes on RNA splicing suggest that this variant is not likely to affect RNA splicing. In summary, the available evidence is currently insufficient to determine the role of this variant in disease. Therefore, it has been classified as a Variant of Uncertain Significance.

Literature cited by the submitters: PubMed 18157818; PubMed 17576681; PubMed 9536098.

NM_001171.6(ABCC6):c.3507-3C>A

Gene: ABCC6 (ATP binding cassette subfamily C member 6; minus strand). Cytogenetic location: 16p13.11.
Variant type: single nucleotide variant.
Coding change: c.3507-3C>A on transcript NM_001171.6 (MANE Select); 3 bases into the intron before coding-DNA position 3507, C replaced by A.
Molecular consequence: intron variant.
Genome position (GRCh38, 1-based): chr16:16,161,567, G>T on the plus strand (C>A on the coding strand, the complement: ABCC6 is on the minus strand). VCF-style: chr16-16161567-G-T. GRCh37 (hg19) VCF-style: chr16-16255424-G-T.
Other names: c.3339-3C>A (NM_001440310.1); c.3474-3C>A (NM_001440309.1); c.3165-3C>A (NM_001351800.1).
Identifiers: ClinVar variation 4710251 (VCV004710251.1).